The following is an entry in ClinVar:

ClinVar aggregate classification (germline): Uncertain significance. Review status: criteria provided, multiple submitters, no conflicts (2 of 4 stars). 3 submissions from 3 submitters: Uncertain significance (3). Last evaluated 2025-05-14.

Conditions:
Progressive external ophthalmoplegia with mitochondrial DNA deletions, autosomal dominant 3. Also called: PROGRESSIVE EXTERNAL OPHTHALMOPLEGIA, AUTOSOMAL DOMINANT 3. Identifiers: MedGen C1836439, MONDO:0012241, OMIM 609286.
TWNK-related disorder. Also called: TWNK-related condition.

Allele frequency attached by ClinVar (database versions not stated): gnomAD exomes below 0.00001.

Submissions (3):

PreventionGenetics, part of Exact Sciences
Classification: Uncertain significance for TWNK-related condition. Last evaluated: 2025-05-14. Review status: criteria provided, single submitter. Criteria: ACMG Guidelines, 2015. Collection method: clinical testing. Allele origin: germline.
Comment: The TWNK c.1566G>A variant is predicted to result in the amino acid substitution p.Met522Ile. To our knowledge, this variant has not been reported in the literature. This variant is reported in 0.0029% of alleles in individuals of Latino descent in gnomAD. At this time, the clinical significance of this variant is uncertain due to the absence of conclusive functional and genetic evidence.

Labcorp Genetics (formerly Invitae), Labcorp
Classification: Uncertain significance. Last evaluated: 2023-11-28. Review status: criteria provided, single submitter. Criteria: Invitae Variant Classification Sherloc (09022015). Collection method: clinical testing. Allele origin: germline.
Comment: This sequence change replaces methionine, which is neutral and non-polar, with isoleucine, which is neutral and non-polar, at codon 522 of the TWNK protein (p.Met522Ile). This variant is present in population databases (no rsID available, gnomAD 0.003%). This variant has not been reported in the literature in individuals affected with TWNK-related conditions. ClinVar contains an entry for this variant (Variation ID: 981929). Advanced modeling of protein sequence and biophysical properties (such as structural, functional, and spatial information, amino acid conservation, physicochemical variation, residue mobility, and thermodynamic stability) has been performed at Invitae for this missense variant, however the output from this modeling did not meet the statistical confidence thresholds required to predict the impact of this variant on TWNK protein function. In summary, the available evidence is currently insufficient to determine the role of this variant in disease. Therefore, it has been classified as a Variant of Uncertain Significance.

Institute of Human Genetics, University of Goettingen
Classification: Uncertain significance for Progressive external ophthalmoplegia with mitochondrial DNA deletions, autosomal dominant 3. Last evaluated: 2020-10-04. Review status: criteria provided, single submitter. Criteria: ACMG Guidelines, 2015. Collection method: clinical testing. Allele origin: unknown. Inheritance: Autosomal dominant inheritance. Affected: yes. Observed: 1 heterozygote.
Comment: ACMG criteria used for classification: PM1, PM2, PP2

NM_021830.5(TWNK):c.1566G>A (p.Met522Ile)

Gene: TWNK (twinkle mtDNA helicase; plus strand). Cytogenetic location: 10q24.31.
Variant type: single nucleotide variant.
Coding change: c.1566G>A on transcript NM_021830.5 (MANE Select); coding-DNA position 1566, G replaced by A.
Protein change: p.Met522Ile; replaces methionine 522 with isoleucine.
Molecular consequence: missense variant. On other transcripts: non-coding transcript variant (5).
Genome position (GRCh38, 1-based): chr10:100,990,517, G>A. VCF-style: chr10-100990517-G-A. GRCh37 (hg19) VCF-style: chr10-102750274-G-A.
Other names: c.1566G>A, p.Met522Ile (NM_001163812.2); c.204G>A, p.Met68Ile (NM_001163813.2, NM_001163814.2, NM_001368275.1); short protein forms M522I, M68I.
Identifiers: ClinVar variation 981929 (VCV000981929.9), dbSNP rs1219162535, ClinGen allele CA378211209.